The following is an entry in ClinVar:

NM_001039.4(SCNN1G):c.1550T>A (p.Met517Lys)

Gene: SCNN1G (sodium channel epithelial 1 subunit gamma; plus strand). Cytogenetic location: 16p12.2.
Variant type: single nucleotide variant.
Coding change: c.1550T>A on transcript NM_001039.4 (MANE Select); coding-DNA position 1550, T replaced by A.
Protein change: p.Met517Lys; replaces methionine 517 with lysine.
Molecular consequence: missense variant.
Genome position (GRCh38, 1-based): chr16:23,214,768, T>A. VCF-style: chr16-23214768-T-A. GRCh37 (hg19) VCF-style: chr16-23226089-T-A.
Other names: short protein forms M517K.
Identifiers: ClinVar variation 2883968 (VCV002883968.4), dbSNP rs144653364, ClinGen allele CA7959910.

ClinVar aggregate classification (germline): Conflicting classifications of pathogenicity. Review status: criteria provided, conflicting classifications (1 of 4 stars). 2 submissions from 2 submitters: Uncertain significance (1); Likely benign (1). Last evaluated 2025-07-24.

Conditions:
Bronchiectasis with or without elevated sweat chloride 3 (BESC3). Identifiers: Orphanet 60033, MedGen C2751324, MONDO:0013112, OMIM 613071.
Liddle syndrome 2. Identifiers: MedGen C4748251, MONDO:0020854, OMIM 618114.
Pseudohypoaldosteronism, type IB3, autosomal recessive (PHA1B3). Identifiers: MedGen C5774256, MONDO:0859318, OMIM 620126.

Allele frequency attached by ClinVar (database versions not stated): 1000 Genomes Project 30x 0.00016; 1000 Genomes Project 0.00020.
gnomAD v4.1: 156 of 1,614,008 alleles (0.0097%); highest among the groups gnomAD compares: Admixed American, 0.25%; 1 homozygote.

Submissions (2):

Labcorp Genetics (formerly Invitae), Labcorp
Classification: Uncertain significance. Last evaluated: 2025-07-24. Review status: criteria provided, single submitter. Criteria: Invitae Variant Classification Sherloc (09022015). Collection method: clinical testing. Allele origin: germline.
Comment: This sequence change replaces methionine, which is neutral and non-polar, with lysine, which is basic and polar, at codon 517 of the SCNN1G protein (p.Met517Lys). This variant is present in population databases (rs144653364, gnomAD 0.2%). This variant has not been reported in the literature in individuals affected with SCNN1G-related conditions. ClinVar contains an entry for this variant (Variation ID: 2883968). Invitae Evidence Modeling of protein sequence and biophysical properties (such as structural, functional, and spatial information, amino acid conservation, physicochemical variation, residue mobility, and thermodynamic stability) indicates that this missense variant is not expected to disrupt SCNN1G protein function with a negative predictive value of 80%. In summary, the available evidence is currently insufficient to determine the role of this variant in disease. Therefore, it has been classified as a Variant of Uncertain Significance.

Fulgent Genetics
Classification: Likely benign for Bronchiectasis with or without elevated sweat chloride 3; Liddle syndrome 2; Pseudohypoaldosteronism, type IB3, autosomal recessive. Last evaluated: 2024-04-30. Review status: criteria provided, single submitter. Criteria: ACMG Guidelines, 2015. Collection method: clinical testing. Allele origin: germline.